The following is an entry in ClinVar:

NM_005618.4(DLL1):c.1421C>T (p.Thr474Met)

Gene: DLL1 (delta like canonical Notch ligand 1; minus strand). Cytogenetic location: 6q27.
Variant type: single nucleotide variant.
Coding change: c.1421C>T on transcript NM_005618.4 (MANE Select); coding-DNA position 1421, C replaced by T.
Protein change: p.Thr474Met; replaces threonine 474 with methionine.
Molecular consequence: missense variant.
Genome position (GRCh38, 1-based): chr6:170,283,858, G>A on the plus strand (C>T on the coding strand, the complement: DLL1 is on the minus strand). VCF-style: chr6-170283858-G-A. GRCh37 (hg19) VCF-style: chr6-170592946-G-A.
Other names: c.1421C>T (NM_005618.3); short protein forms T474M.
Identifiers: ClinVar variation 2072207 (VCV002072207.30), dbSNP rs201909286, ClinGen allele CA4106829.

ClinVar aggregate classification (germline): Conflicting classifications of pathogenicity. Review status: criteria provided, conflicting classifications (1 of 4 stars). 3 submissions from 3 submitters: Uncertain significance (1); Likely benign (2). Last evaluated 2025-12-29.

Conditions:
Inborn genetic diseases. Identifiers: MedGen C0950123, MeSH D030342.

Allele frequency attached by ClinVar (database versions not stated): ESP Exome Variant Server 0.00008; ExAC 0.00013; gnomAD 0.00017.
gnomAD v4.1: 369 of 1,605,408 alleles (0.023%); highest among the groups gnomAD compares: Non-Finnish European, 0.029%; no homozygotes.

Submissions (3):

Labcorp Genetics (formerly Invitae), Labcorp
Classification: Uncertain significance. Last evaluated: 2025-12-29. Review status: criteria provided, single submitter. Criteria: Invitae Variant Classification Sherloc (09022015). Collection method: clinical testing. Allele origin: germline.
Comment: This sequence change replaces threonine, which is neutral and polar, with methionine, which is neutral and non-polar, at codon 474 of the DLL1 protein (p.Thr474Met). This variant is present in population databases (rs201909286, gnomAD 0.02%). This variant has not been reported in the literature in individuals affected with DLL1-related conditions. ClinVar contains an entry for this variant (Variation ID: 2072207). An algorithm developed to predict the effect of missense changes on protein structure and function (PolyPhen-2) suggests that this variant is likely to be tolerated. In summary, the available evidence is currently insufficient to determine the role of this variant in disease. Therefore, it has been classified as a Variant of Uncertain Significance.

CeGaT Center for Human Genetics Tuebingen
Classification: Likely benign. Last evaluated: 2024-03-01. Review status: criteria provided, single submitter. Criteria: CeGaT Center For Human Genetics Tuebingen Variant Classification Criteria Version 2. Collection method: clinical testing. Allele origin: germline. Affected: yes. Observed: 2 variant alleles.
Comment: DLL1: BP4

Ambry Genetics
Classification: Likely benign for Inborn genetic diseases. Last evaluated: 2023-05-24. Review status: criteria provided, single submitter. Criteria: Ambry Variant Classification Scheme 2023. Collection method: clinical testing. Allele origin: germline.